The following is an entry in ClinVar:

NM_001372.4(DNAH9):c.1649C>T (p.Ala550Val)

Gene: DNAH9 (dynein axonemal heavy chain 9; plus strand). Cytogenetic location: 17p12.
Variant type: single nucleotide variant.
Coding change: c.1649C>T on transcript NM_001372.4 (MANE Select); coding-DNA position 1649, C replaced by T.
Protein change: p.Ala550Val; replaces alanine 550 with valine.
Molecular consequence: missense variant.
Genome position (GRCh38, 1-based): chr17:11,636,647, C>T. VCF-style: chr17-11636647-C-T. GRCh37 (hg19) VCF-style: chr17-11539964-C-T.
Other names: short protein forms A550V.
Identifiers: ClinVar variation 1952781 (VCV001952781.5), dbSNP rs2073172623, ClinGen allele CA398165875.

ClinVar aggregate classification (germline): Uncertain significance (1 of 4 stars; one submission).

Allele frequency attached by ClinVar (database versions not stated): TOPMed below 0.00001.

Submission:

Labcorp Genetics (formerly Invitae), Labcorp
Classification: Uncertain significance. Last evaluated: 2024-10-16. Review status: criteria provided, single submitter. Criteria: Invitae Variant Classification Sherloc (09022015). Collection method: clinical testing. Allele origin: germline.
Comment: This sequence change replaces alanine, which is neutral and non-polar, with valine, which is neutral and non-polar, at codon 550 of the DNAH9 protein (p.Ala550Val). This variant is not present in population databases (gnomAD no frequency). This variant has not been reported in the literature in individuals affected with DNAH9-related conditions. ClinVar contains an entry for this variant (Variation ID: 1952781). An algorithm developed to predict the effect of missense changes on protein structure and function (PolyPhen-2) suggests that this variant is likely to be tolerated. In summary, the available evidence is currently insufficient to determine the role of this variant in disease. Therefore, it has been classified as a Variant of Uncertain Significance.